The following is an entry in ClinVar:

ClinVar aggregate classification (germline): Uncertain significance (1 of 4 stars; one submission).

Submission:

Labcorp Genetics (formerly Invitae), Labcorp
Classification: Uncertain significance. Last evaluated: 2021-08-27. Review status: criteria provided, single submitter. Criteria: Invitae Variant Classification Sherloc (09022015). Collection method: clinical testing. Allele origin: germline.
Comment: This sequence change replaces proline with serine at codon 39 of the FH protein (p.Pro39Ser). The proline residue is moderately conserved and there is a moderate physicochemical difference between proline and serine. In summary, the available evidence is currently insufficient to determine the role of this variant in disease. Therefore, it has been classified as a Variant of Uncertain Significance. Advanced modeling of protein sequence and biophysical properties (such as structural, functional, and spatial information, amino acid conservation, physicochemical variation, residue mobility, and thermodynamic stability) performed at Invitae indicates that this missense variant is not expected to disrupt FH protein function. This variant has not been reported in the literature in individuals with FH-related conditions. The frequency data for this variant in the population databases is considered unreliable, as metrics indicate insufficient coverage at this position in the ExAC database.

NM_000143.4(FH):c.115C>T (p.Pro39Ser)

Gene: FH (fumarate hydratase; minus strand). Cytogenetic location: 1q43.
Variant type: single nucleotide variant.
Coding change: c.115C>T on transcript NM_000143.4 (MANE Select); coding-DNA position 115, C replaced by T.
Protein change: p.Pro39Ser; replaces proline 39 with serine.
Molecular consequence: missense variant.
Genome position (GRCh38, 1-based): chr1:241,519,608, G>A on the plus strand (C>T on the coding strand, the complement: FH is on the minus strand). VCF-style: chr1-241519608-G-A. GRCh37 (hg19) VCF-style: chr1-241682908-G-A.
Other names: short protein forms P39S.
Identifiers: ClinVar variation 1352952 (VCV001352952.8), dbSNP rs2147926857, ClinGen allele CA345442657.
Genomic context (GRCh38, chr1:241,519,608, plus strand): 5'-AAGGTCACTGCGGGGAGGCCGGGGGATGGCGGCCTGCGCTCACCATTCGAGCCGCGTTCG[G>A]AGGCCAAAACGAGGGCACGGCCGCGCCACCCAAGCCGGGAGCCGAAGCTAAGGCTGCGGC-3'
Protein context (NP_000134.2, residues 29-49): GGAAVPSFWP[Pro39Ser]NAARMASQNS